The following is an entry in ClinVar:

ClinVar aggregate classification (germline): Uncertain significance (1 of 4 stars; one submission).

Conditions:
PCNT-related disorder. Also called: PCNT-related condition.

gnomAD v4.1: 22 of 1,598,318 alleles (0.0014%); highest among the groups gnomAD compares: East Asian, 0.011%; no homozygotes.

Submission:

PreventionGenetics, part of Exact Sciences
Classification: Uncertain significance for PCNT-related condition. Last evaluated: 2026-02-11. Review status: criteria provided, single submitter. Criteria: ACMG Guidelines, 2015. Collection method: clinical testing. Allele origin: germline.
Comment: The PCNT c.4526C>T variant is predicted to result in the amino acid substitution p.Ala1509Val. To our knowledge, this variant has not been reported in the literature. This variant is reported in 0.020% of alleles in individuals of Ashkenazi Jewish descent in gnomAD. At this time, the clinical significance of this variant is uncertain due to the absence of conclusive functional and genetic evidence.

NM_006031.6(PCNT):c.4526C>T (p.Ala1509Val)

Gene: PCNT (pericentrin; plus strand). Cytogenetic location: 21q22.3.
Variant type: single nucleotide variant.
Coding change: c.4526C>T on transcript NM_006031.6 (MANE Select); coding-DNA position 4526, C replaced by T.
Protein change: p.Ala1509Val; replaces alanine 1509 with valine.
Molecular consequence: missense variant.
Genome position (GRCh38, 1-based): chr21:46,398,093, C>T. VCF-style: chr21-46398093-C-T. GRCh37 (hg19) VCF-style: chr21-47818007-C-T.
Other names: c.4172C>T, p.Ala1391Val (NM_001315529.2); short protein forms A1391V, A1509V.
Identifiers: ClinVar variation 4984840 (VCV004984840.1).